The following is an entry in ClinVar:

NM_144631.6(ZNF513):c.788G>A (p.Arg263Gln)

Gene: ZNF513 (zinc finger protein 513; minus strand). Cytogenetic location: 2p23.3.
Variant type: single nucleotide variant.
Coding change: c.788G>A on transcript NM_144631.6 (MANE Select); coding-DNA position 788, G replaced by A.
Protein change: p.Arg263Gln; replaces arginine 263 with glutamine.
Molecular consequence: missense variant.
Genome position (GRCh38, 1-based): chr2:27,378,478, C>T on the plus strand (G>A on the coding strand, the complement: ZNF513 is on the minus strand). VCF-style: chr2-27378478-C-T. GRCh37 (hg19) VCF-style: chr2-27601345-C-T.
Other names: c.602G>A, p.Arg201Gln (NM_001201459.2); short protein forms R201Q, R263Q.
Identifiers: ClinVar variation 852632 (VCV000852632.7), dbSNP rs368425599, ClinGen allele CA1577966.
Genomic context (GRCh38, chr2:27,378,478, plus strand): 5'-AGGGTCAGCCACCCATGTCCCAAGATCTTTGGTCCCTGGTGTGTCTTACCTTCAGGTCGC[C>T]GGGGCACCGCCCCCTCCTGCTCTGTGGGACTGGGAGGCCGGGCTGGTCGTGGAGTACAGC-3'
Protein context (NP_653232.3, residues 253-273): SPTEQEGAVP[Arg263Gln]RPEDALLLPD

ClinVar aggregate classification (germline): Uncertain significance (1 of 4 stars; one submission).

Allele frequency attached by ClinVar (database versions not stated): TOPMed 0.00010.

Submission:

Labcorp Genetics (formerly Invitae), Labcorp
Classification: Uncertain significance. Last evaluated: 2025-05-13. Review status: criteria provided, single submitter. Criteria: Invitae Variant Classification Sherloc (09022015). Collection method: clinical testing. Allele origin: germline.
Comment: This sequence change replaces arginine, which is basic and polar, with glutamine, which is neutral and polar, at codon 263 of the ZNF513 protein (p.Arg263Gln). This variant is present in population databases (rs368425599, gnomAD 0.01%). This variant has not been reported in the literature in individuals affected with ZNF513-related conditions. ClinVar contains an entry for this variant (Variation ID: 852632). An algorithm developed to predict the effect of missense changes on protein structure and function outputs the following: PolyPhen-2: "Benign". The glutamine amino acid residue is found in multiple mammalian species, which suggests that this missense change does not adversely affect protein function. In summary, the available evidence is currently insufficient to determine the role of this variant in disease. Therefore, it has been classified as a Variant of Uncertain Significance.